The following is an entry in ClinVar:

ClinVar aggregate classification (germline): Pathogenic (3 of 4 stars; one submission).

Conditions:
Breast-ovarian cancer, familial, susceptibility to, 1 (BROVCA1). Also called: BRCA1 Hereditary Breast and Ovarian Cancer; OVARIAN CANCER, SUSCEPTIBILITY TO. Identifiers: Orphanet 145, MedGen C2676676, MONDO:0011450, OMIM 604370. Disease mechanism: loss of function.

Submission:

Evidence-based Network for the Interpretation of Germline Mutant Alleles (ENIGMA)
Classification: Pathogenic for Breast-ovarian cancer, familial, susceptibility to, 1. Last evaluated: 2016-09-08. Review status: reviewed by expert panel. Criteria: ENIGMA BRCA1/2 Classification Criteria (2015). Collection method: curation. Allele origin: germline.
Comment: Variant allele predicted to encode a truncated non-functional protein.

NM_007294.4(BRCA1):c.4015dup (p.Glu1339fs)

Genes: BRCA1 (BRCA1 DNA repair associated; minus strand), LOC126862571 (BRD4-independent group 4 enhancer GRCh37_chr17:41243136-41244335; plus strand). Cytogenetic location: 17q21.31.
Variant type: Duplication.
Coding change: c.4015dup on transcript NM_007294.4 (MANE Select); coding-DNA position 4015, one base duplicated (G; older notation c.4015dupG).
Protein change: p.Glu1339fs; shifts the reading frame from glutamic acid 1339.
Molecular consequence: frameshift variant. On other transcripts: intron variant (135).
Genome position (GRCh38, 1-based): chr17:43,091,516, C duplicated on the plus strand (G on the coding strand, the reverse complement: BRCA1 is on the minus strand); the first of 2 consecutive C bases (chr17:43,091,516-43,091,517); duplicating either gives the same sequence. VCF-style (leftmost placement, unchanged base first): chr17-43091515-T-TC. GRCh37 (hg19) VCF-style: chr17-41243532-T-TC.
Other names: c.4015dupG (NM_007294.3); c.3802dup, p.Glu1268fs (NM_001407571.1, NM_001407853.1, NM_001407894.1 and 9 more transcripts); c.4015dup, p.Glu1339fs (NM_001407581.1, NM_001407582.1, NM_001407583.1 and 30 more transcripts); c.4012dup, p.Glu1338fs (NM_001407587.1, NM_001407610.1, NM_001407611.1 and 22 more transcripts); c.4006dup, p.Glu1336fs (NM_001407647.1, NM_001407646.1); c.3892dup, p.Glu1298fs (NM_001407648.1, NM_001407667.1, NM_001407668.1 and 19 more transcripts); c.3889dup, p.Glu1297fs (NM_001407649.1, NM_001407670.1, NM_001407671.1 and 11 more transcripts); c.3937dup, p.Glu1313fs (NM_001407653.1, NM_001407654.1, NM_001407655.1 and 4 more transcripts); and 42 more; short protein forms E1292fs, E1339fs, E1291fs, E1297fs, E1336fs, E1228fs, E1269fs, E1271fs.
Identifiers: ClinVar variation 254450 (VCV000254450.4), dbSNP rs886038030, ClinGen allele CA10586613.